The following is an entry in ClinVar:

NM_007254.4(PNKP):c.212C>T (p.Pro71Leu)

Gene: PNKP (polynucleotide kinase 3'-phosphatase; minus strand). Cytogenetic location: 19q13.33.
Variant type: single nucleotide variant.
Coding change: c.212C>T on transcript NM_007254.4 (MANE Select); coding-DNA position 212, C replaced by T.
Protein change: p.Pro71Leu; replaces proline 71 with leucine.
Molecular consequence: missense variant.
Genome position (GRCh38, 1-based): chr19:49,865,413, G>A on the plus strand (C>T on the coding strand, the complement: PNKP is on the minus strand). VCF-style: chr19-49865413-G-A. GRCh37 (hg19) VCF-style: chr19-50368670-G-A.
Other names: short protein forms P71L.
Identifiers: ClinVar variation 966159 (VCV000966159.9), dbSNP rs772033320, ClinGen allele CA9586992.
Genomic context (GRCh38, chr19:49,865,413, plus strand): 5'-TCCCCCACCCCCAGAGAGCCCTCCAACCCCGGCTTCAACTCCTGGGTCCCGGTAGTTGAG[G>A]GGTTAACTCCCAGCTGCAGAAAGAGAGGGAGGAGCTGGGACTGGCTCCGCCCCCACCGGG-3'
Protein context (NP_009185.2, residues 61-81): TVAVKQLGVN[Pro71Leu]STTGTQELKP

ClinVar aggregate classification (germline): Uncertain significance. Review status: criteria provided, multiple submitters, no conflicts (2 of 4 stars). 3 submissions from 3 submitters: Uncertain significance (3). Last evaluated 2024-11-20.

Conditions:
Inborn genetic diseases. Identifiers: MedGen C0950123, MeSH D030342.
Developmental and epileptic encephalopathy, 12 (DEE12). Identifiers: MedGen C3150988, MONDO:0013389, OMIM 613722.

Allele frequency attached by ClinVar (database versions not stated): gnomAD exomes 0.00001 and 0.00002; ExAC 0.00003; gnomAD 0.00003 and 0.00004; TOPMed 0.00005.

Submissions (3):

Blueprint Genetics
Classification: Uncertain significance. Last evaluated: 2024-11-20. Review status: criteria provided, single submitter. Criteria: ACMG Guidelines, 2015. Collection method: clinical testing. Allele origin: germline.

Ambry Genetics
Classification: Uncertain significance for Inborn genetic diseases. Last evaluated: 2024-07-31. Review status: criteria provided, single submitter. Criteria: Ambry Variant Classification Scheme 2023. Collection method: clinical testing. Allele origin: germline.

Labcorp Genetics (formerly Invitae), Labcorp
Classification: Uncertain significance for Developmental and epileptic encephalopathy, 12. Last evaluated: 2022-07-03. Review status: criteria provided, single submitter. Criteria: Invitae Variant Classification Sherloc (09022015). Collection method: clinical testing. Allele origin: germline.
Comment: This sequence change replaces proline, which is neutral and non-polar, with leucine, which is neutral and non-polar, at codon 71 of the PNKP protein (p.Pro71Leu). This variant is present in population databases (rs772033320, gnomAD 0.009%). This variant has not been reported in the literature in individuals affected with PNKP-related conditions. ClinVar contains an entry for this variant (Variation ID: 966159). Algorithms developed to predict the effect of missense changes on protein structure and function are either unavailable or do not agree on the potential impact of this missense change (SIFT: "Deleterious"; PolyPhen-2: "Probably Damaging"; Align-GVGD: "Class C0"). In summary, the available evidence is currently insufficient to determine the role of this variant in disease. Therefore, it has been classified as a Variant of Uncertain Significance.